The following is an entry in ClinVar:

NM_000203.5(IDUA):c.1360G>A (p.Val454Ile)

Gene: IDUA (alpha-L-iduronidase; plus strand). Cytogenetic location: 4p16.3.
Variant type: single nucleotide variant.
Coding change: c.1360G>A on transcript NM_000203.5 (MANE Select); coding-DNA position 1360, G replaced by A.
Protein change: p.Val454Ile; replaces valine 454 with isoleucine.
Molecular consequence: missense variant. On other transcripts: non-coding transcript variant (1).
Genome position (GRCh38, 1-based): chr4:1,002,902, G>A. VCF-style: chr4-1002902-G-A. GRCh37 (hg19) VCF-style: chr4-996690-G-A.
Other names: NM_000203.5(IDUA):c.1360G>A; c.964G>A, p.Val322Ile (NM_001363576.1); short protein forms V454I, V322I.
Identifiers: ClinVar variation 92630 (VCV000092630.43), dbSNP rs73066479, ClinGen allele CA145872.
Genomic context (GRCh38, chr4:1,002,902, plus strand): 5'-TGGCGCGCCGCGGTGCTGATCTACGCGAGCGACGACACCCGCGCCCACCCCAACCGCAGC[G>A]TCGCGGTGACCCTGCGGCTGCGCGGGGTGCCCCCCGGCCCGGGTAAGCCGGGGTTCCAGG-3'
Protein context (NP_000194.2, residues 444-464): DDTRAHPNRS[Val454Ile]AVTLRLRGVP

ClinVar aggregate classification (germline): Benign. Review status: reviewed by expert panel (3 of 4 stars). 16 submissions from 14 submitters: Benign (1). 15 of the submissions do not count toward it. Last evaluated 2024-12-06.

Conditions:
Mucopolysaccharidosis type 1. Also called: Mucopolysaccharidosis Type I; IDUA deficiency; MPS I. Identifiers: Orphanet 579, MedGen C0023786, MONDO:0001586.
Hurler syndrome. Also called: MUCOPOLYSACCHARIDOSIS TYPE IH; Severe MPS I (Hurler Syndrome); Gargoylism, Hurler Syndrome. Identifiers: Orphanet 93473, MedGen C0086795, MONDO:0011758, OMIM 607014.
Mucopolysaccharidosis, MPS-I-H/S. Also called: Mucopolysaccharidosis type IH/S. Identifiers: Orphanet 93476, MedGen C0086431, MONDO:0011759, OMIM 607015.
Mucopolysaccharidosis, MPS-I-S. Also called: MUCOPOLYSACCHARIDOSIS TYPE IS; MPS V; MUCOPOLYSACCHARIDOSIS TYPE V; Scheie Syndrome. Identifiers: Orphanet 93474, MedGen C0026708, MONDO:0011760, OMIM 607016.

Allele frequency attached by ClinVar (database versions not stated): gnomAD 0.16867 and 0.17234; gnomAD exomes 0.20284 and 0.16067; TOPMed 0.16951; 1000 Genomes Project 30x 0.21596; ExAC 0.34143; 1000 Genomes Project 0.21865.
gnomAD v4.1: 228,564 of 1,408,774 alleles (16%); highest among the groups gnomAD compares: South Asian, 30%; 19,900 homozygotes.

Submissions (16):

ClinGen Lysosomal Storage Disorder Variant Curation Expert Panel
Classification: Benign for Mucopolysaccharidosis type 1. Last evaluated: 2024-12-06. Review status: reviewed by expert panel. Criteria: ClinGen LSD ACMG Specifications IDUA V1.0.0. Collection method: curation. Allele origin: germline. Inheritance: Autosomal recessive inheritance.
Comment: The NM_000203.5:c.1360G>A variant in IDUA is a missense variant predicted to cause substitution of valine by isoleucine at amino acid 454 (p.Val454Ile). The highest population minor allele frequency in gnomAD v4.1.0 is 0.3004 (19925/66322 alleles; 3158 homozygotes; Grpmax Filtering AF 95% confidence = 0.2969) in the South Asian population, which is higher than the ClinGen Lysosomal Diseases VCEP’s threshold for BA1 (>0.005), and therefore meets this criterion (BA1). There is a ClinVar entry for this variant (Variation ID: 92630). In summary, this variant meets the criteria to be classified as benign for mucopolysaccharidosis type 1. IDUA-specific ACMG/AMP criteria applied, as specified by the ClinGen Lysosomal Diseases Variant Curation Expert Panel (Specifications Version 1.0.0): BA1. (Classification approved by the ClinGen Lysosomal Diseases Variant Curation Expert Panel on December 6, 2024)

Labcorp Genetics (formerly Invitae), Labcorp
Classification: Benign for Mucopolysaccharidosis type 1. Last evaluated: 2026-02-04. Review status: criteria provided, single submitter. Criteria: Invitae Variant Classification Sherloc (09022015). Collection method: clinical testing. Allele origin: germline. Not counted in ClinVar's aggregate classification.

Blueprint Genetics
Classification: Benign. Last evaluated: 2024-11-26. Review status: criteria provided, single submitter. Criteria: ACMG Guidelines, 2015. Collection method: clinical testing. Allele origin: germline. Not counted in ClinVar's aggregate classification.

Genome-Nilou Lab
Classification: Benign for Hurler syndrome. Last evaluated: 2021-07-10. Review status: criteria provided, single submitter. Criteria: ACMG Guidelines, 2015. Collection method: clinical testing. Allele origin: germline. Affected: no. Not counted in ClinVar's aggregate classification.

Genome-Nilou Lab
Classification: Benign for Mucopolysaccharidosis, MPS-I-H/S. Last evaluated: 2021-07-10. Review status: criteria provided, single submitter. Criteria: ACMG Guidelines, 2015. Collection method: clinical testing. Allele origin: germline. Affected: no. Not counted in ClinVar's aggregate classification.

Genome-Nilou Lab
Classification: Benign for Mucopolysaccharidosis, MPS-I-S. Last evaluated: 2021-07-10. Review status: criteria provided, single submitter. Criteria: ACMG Guidelines, 2015. Collection method: clinical testing. Allele origin: germline. Affected: no. Not counted in ClinVar's aggregate classification.

GeneDx
Classification: Benign. Last evaluated: 2018-08-29. Review status: criteria provided, single submitter. Criteria: GeneDx Variant Classification Process June 2021. Collection method: clinical testing. Allele origin: germline. Affected: yes. Not counted in ClinVar's aggregate classification.
Comment: This variant is associated with the following publications: (PMID: 12509712, 28649516)

Illumina Laboratory Services, Illumina
Classification: Benign for Mucopolysaccharidosis type 1. Last evaluated: 2018-01-13. Review status: criteria provided, single submitter. Criteria: ICSL Variant Classification Criteria 13 December 2019. Collection method: clinical testing. Allele origin: germline. Not counted in ClinVar's aggregate classification.
Comment: This variant was observed in the ICSL laboratory as part of a predisposition screen in an ostensibly healthy population. It had not been previously curated by ICSL or reported in the Human Gene Mutation Database (HGMD: prior to June 1st, 2018), and was therefore a candidate for classification through an automated scoring system. Utilizing variant allele frequency, disease prevalence and penetrance estimates, and inheritance mode, an automated score was calculated to assess if this variant is too frequent to cause the disease. Based on the score and internal cut-off values, a variant classified as benign is not then subjected to further curation. The score for this variant resulted in a classification of benign for this disease.

Eurofins Ntd Llc (ga)
Classification: Benign. Last evaluated: 2017-11-02. Review status: criteria provided, single submitter. Criteria: EGL Classification Definitions 2015. Collection method: clinical testing. Allele origin: germline. Observed: 61 variant alleles, 55 heterozygotes, 6 homozygotes. Not counted in ClinVar's aggregate classification.

Breakthrough Genomics
Classification: Benign. Review status: criteria provided, single submitter. Criteria: ACMG Guidelines, 2015. Collection method: not provided. Allele origin: germline. Inheritance: Autosomal recessive inheritance. Affected: yes. Not counted in ClinVar's aggregate classification.

PreventionGenetics, part of Exact Sciences
Classification: Benign. Review status: criteria provided, single submitter. Criteria: ACMG Guidelines, 2015. Collection method: clinical testing. Allele origin: germline. Not counted in ClinVar's aggregate classification.

Natera, Inc.
Classification: Benign for Mucopolysaccharidosis type I. Last evaluated: 2017-05-11. Review status: no assertion criteria provided. Collection method: clinical testing. Allele origin: germline. Not counted in ClinVar's aggregate classification.

Mayo Clinic Laboratories, Mayo Clinic
Classification: Benign. Last evaluated: 2017-02-27. Review status: no assertion criteria provided. Collection method: clinical testing. Allele origin: unknown. Not counted in ClinVar's aggregate classification.

Clinical Genetics DNA and cytogenetics Diagnostics Lab, Erasmus MC, Erasmus Medical Center
Classification: Benign. Review status: no assertion criteria provided. Collection method: clinical testing. Allele origin: germline. Affected: yes. Study: VKGL Data-share Consensus. Not counted in ClinVar's aggregate classification.

Clinical Genetics, Academic Medical Center
Classification: Likely benign. Review status: no assertion criteria provided. Collection method: clinical testing. Allele origin: germline. Affected: yes. Study: VKGL Data-share Consensus. Not counted in ClinVar's aggregate classification.

Diagnostic Laboratory, Department of Genetics, University Medical Center Groningen
Classification: Benign. Review status: no assertion criteria provided. Collection method: clinical testing. Allele origin: germline. Affected: yes. Study: VKGL Data-share Consensus. Not counted in ClinVar's aggregate classification.